The following is an entry in ClinVar:

NM_177438.3(DICER1):c.2133T>G (p.His711Gln)

Gene: DICER1 (dicer 1, ribonuclease III; minus strand). Cytogenetic location: 14q32.13.
Variant type: single nucleotide variant.
Coding change: c.2133T>G on transcript NM_177438.3 (MANE Select); coding-DNA position 2133, T replaced by G.
Protein change: p.His711Gln; replaces histidine 711 with glutamine.
Molecular consequence: missense variant. On other transcripts: non-coding transcript variant (6).
Genome position (GRCh38, 1-based): chr14:95,111,440, A>C on the plus strand (T>G on the coding strand, the complement: DICER1 is on the minus strand). VCF-style: chr14-95111440-A-C. GRCh37 (hg19) VCF-style: chr14-95577777-A-C.
Other names: c.2133T>G, p.His711Gln (NM_001195573.1, NM_001271282.3, NM_001291628.2 and 12 more transcripts); c.1851T>G, p.His617Gln (NM_001395686.1); c.1728T>G, p.His576Gln (NM_001395687.1, NM_001395688.1, NM_001395689.1 and 3 more transcripts); c.1566T>G, p.His522Gln (NM_001395691.1); c.450T>G, p.His150Gln (NM_001395697.1); short protein forms H576Q, H150Q, H522Q, H617Q, H711Q.
Identifiers: ClinVar variation 3661431 (VCV003661431.2).

ClinVar aggregate classification (germline): Uncertain significance (1 of 4 stars; one submission).

Conditions:
DICER1-related tumor predisposition. Also called: DICER1-related pleuropulmonary blastoma cancer predisposition syndrome; DICER1 syndrome. Identifiers: Orphanet 284343, MedGen C3839822, MONDO:0100216.

Submission:

Labcorp Genetics (formerly Invitae), Labcorp
Classification: Uncertain significance for DICER1-related tumor predisposition. Last evaluated: 2024-08-05. Review status: criteria provided, single submitter. Criteria: Invitae Variant Classification Sherloc (09022015). Collection method: clinical testing. Allele origin: germline.
Comment: This sequence change replaces histidine, which is basic and polar, with glutamine, which is neutral and polar, at codon 711 of the DICER1 protein (p.His711Gln). This variant is not present in population databases (gnomAD no frequency). This variant has not been reported in the literature in individuals affected with DICER1-related conditions. Advanced modeling of protein sequence and biophysical properties (such as structural, functional, and spatial information, amino acid conservation, physicochemical variation, residue mobility, and thermodynamic stability) performed at Invitae indicates that this missense variant is not expected to disrupt DICER1 protein function with a negative predictive value of 80%. In summary, the available evidence is currently insufficient to determine the role of this variant in disease. Therefore, it has been classified as a Variant of Uncertain Significance.